The following is an entry in ClinVar:

ClinVar aggregate classification (germline): Uncertain significance. Review status: criteria provided, multiple submitters, no conflicts (2 of 4 stars). 2 submissions from 2 submitters: Uncertain significance (2). Last evaluated 2024-03-01.

Allele frequency attached by ClinVar (database versions not stated): TOPMed below 0.00001; gnomAD 0.00001; ExAC 0.00011.
gnomAD v4.1: 16 of 1,550,168 alleles (0.001%); highest among the groups gnomAD compares: South Asian, 0.0071%; no homozygotes.

Submissions (2):

GeneDx
Classification: Uncertain significance. Last evaluated: 2024-03-01. Review status: criteria provided, single submitter. Criteria: GeneDx Variant Classification Process June 2021. Collection method: clinical testing. Allele origin: germline. Affected: yes.
Comment: Not observed at significant frequency in large population cohorts (gnomAD); In silico analysis supports that this missense variant does not alter protein structure/function; Has not been previously published as pathogenic or benign to our knowledge

Labcorp Genetics (formerly Invitae), Labcorp
Classification: Uncertain significance. Last evaluated: 2022-02-09. Review status: criteria provided, single submitter. Criteria: Invitae Variant Classification Sherloc (09022015). Collection method: clinical testing. Allele origin: germline.
Comment: This sequence change replaces glycine, which is neutral and non-polar, with serine, which is neutral and polar, at codon 1391 of the ZNF469 protein (p.Gly1391Ser). This variant is present in population databases (rs769088579, gnomAD 0.01%). This variant has not been reported in the literature in individuals affected with ZNF469-related conditions. Algorithms developed to predict the effect of missense changes on protein structure and function output the following: SIFT: "Tolerated"; PolyPhen-2: "Benign"; Align-GVGD: "Class C0". The serine amino acid residue is found in multiple mammalian species, which suggests that this missense change does not adversely affect protein function. Algorithms developed to predict the effect of sequence changes on RNA splicing suggest that this variant may create or strengthen a splice site. In summary, the available evidence is currently insufficient to determine the role of this variant in disease. Therefore, it has been classified as a Variant of Uncertain Significance.

NM_001367624.2(ZNF469):c.4255G>A (p.Gly1419Ser)

Gene: ZNF469 (zinc finger protein 469; plus strand). Cytogenetic location: 16q24.2.
Variant type: single nucleotide variant.
Coding change: c.4255G>A on transcript NM_001367624.2 (MANE Select); coding-DNA position 4255, G replaced by A.
Protein change: p.Gly1419Ser; replaces glycine 1419 with serine.
Molecular consequence: missense variant.
Genome position (GRCh38, 1-based): chr16:88,431,725, G>A. VCF-style: chr16-88431725-G-A. GRCh37 (hg19) VCF-style: chr16-88498133-G-A.
Other names: NM_001127464.1:c.4171G>A; short protein forms G1419S.
Identifiers: ClinVar variation 1977837 (VCV001977837.3), dbSNP rs769088579, ClinGen allele CA8224926.